The following is an entry in ClinVar:

ClinVar aggregate classification (germline): Likely pathogenic (1 of 4 stars; one submission).

Allele frequency attached by ClinVar (database versions not stated): gnomAD exomes below 0.00001.
gnomAD v4.1: 2 of 1,611,986 alleles (0.00012%); highest among the groups gnomAD compares: Non-Finnish European, 0.00017%; no homozygotes.

Submission:

Labcorp Genetics (formerly Invitae), Labcorp
Classification: Likely pathogenic. Last evaluated: 2025-10-29. Review status: criteria provided, single submitter. Criteria: Invitae Variant Classification Sherloc (09022015). Collection method: clinical testing. Allele origin: germline.
Comment: This sequence change affects an acceptor splice site in intron 23 of the SKIV2L gene. It is expected to disrupt RNA splicing. Variants that disrupt the donor or acceptor splice site typically lead to a loss of protein function (PMID: 16199547), and loss-of-function variants in SKIV2L are known to be pathogenic (PMID: 22444670). This variant is not present in population databases (gnomAD no frequency). This variant has not been reported in the literature in individuals affected with SKIV2L-related conditions. ClinVar contains an entry for this variant (Variation ID: 2716461). Algorithms developed to predict the effect of sequence changes on RNA splicing suggest that this variant may disrupt the consensus splice site. In summary, the currently available evidence indicates that the variant is pathogenic, but additional data are needed to prove that conclusively. Therefore, this variant has been classified as Likely Pathogenic.

Literature cited by the submitters: PubMed 16199547; PubMed 22444670.

NM_006929.5(SKIC2):c.2859-1G>A

Gene: SKIC2 (SKI2 subunit of superkiller complex; plus strand). Cytogenetic location: 6p21.33.
Variant type: single nucleotide variant.
Coding change: c.2859-1G>A on transcript NM_006929.5 (MANE Select); the canonical splice acceptor site of the intron before coding-DNA position 2859, G replaced by A.
Molecular consequence: splice acceptor variant.
Genome position (GRCh38, 1-based): chr6:31,968,327, G>A. VCF-style: chr6-31968327-G-A. GRCh37 (hg19) VCF-style: chr6-31936104-G-A.
Identifiers: ClinVar variation 2716461 (VCV002716461.3), dbSNP rs2151815985, ClinGen allele CA363479664.